The following is an entry in ClinVar:

NM_000245.4(MET):c.769A>G (p.Asn257Asp)

Gene: MET (MET proto-oncogene, receptor tyrosine kinase; plus strand). Cytogenetic location: 7q31.2.
Variant type: single nucleotide variant.
Coding change: c.769A>G on transcript NM_000245.4 (MANE Select); coding-DNA position 769, A replaced by G.
Protein change: p.Asn257Asp; replaces asparagine 257 with aspartic acid.
Molecular consequence: missense variant. On other transcripts: intron variant (1).
Genome position (GRCh38, 1-based): chr7:116,699,853, A>G. VCF-style: chr7-116699853-A-G. GRCh37 (hg19) VCF-style: chr7-116339907-A-G.
Other names: c.769A>G, p.Asn257Asp (NM_001127500.3, NM_001324401.3); c.-91+27276A>G (NM_001324402.2); short protein forms N257D.
Identifiers: ClinVar variation 652348 (VCV000652348.11), dbSNP rs776407390, ClinGen allele CA4448026.

ClinVar aggregate classification (germline): Conflicting classifications of pathogenicity. Review status: criteria provided, conflicting classifications (1 of 4 stars). 2 submissions from 2 submitters: Uncertain significance (1); Likely benign (1). Last evaluated 2026-06-03.

Conditions:
Renal cell carcinoma. Identifiers: Orphanet 217071, MedGen C0007134, MeSH D002292, MONDO:0005086, HP:0005584.
Hereditary cancer-predisposing syndrome. Also called: Tumor predisposition; Hereditary Cancer Syndrome; Neoplastic Syndromes, Hereditary; Hereditary neoplastic syndrome. Identifiers: Orphanet 140162, MedGen C0027672, MeSH D009386, MONDO:0015356.

Allele frequency attached by ClinVar (database versions not stated): gnomAD exomes below 0.00001; ExAC 0.00001; TOPMed below 0.00001; gnomAD 0.00001.

Submissions (2):

Ambry Genetics
Classification: Likely benign for Hereditary cancer-predisposing syndrome. Last evaluated: 2026-06-03. Review status: criteria provided, single submitter. Criteria: Ambry Variant Classification Scheme 2023. Collection method: clinical testing. Allele origin: germline.

Labcorp Genetics (formerly Invitae), Labcorp
Classification: Uncertain significance for Renal cell carcinoma. Last evaluated: 2024-08-08. Review status: criteria provided, single submitter. Criteria: Invitae Variant Classification Sherloc (09022015). Collection method: clinical testing. Allele origin: germline.
Comment: This sequence change replaces asparagine, which is neutral and polar, with aspartic acid, which is acidic and polar, at codon 257 of the MET protein (p.Asn257Asp). This variant is present in population databases (rs776407390, gnomAD 0.003%). This variant has not been reported in the literature in individuals affected with MET-related conditions. ClinVar contains an entry for this variant (Variation ID: 652348). Advanced modeling of protein sequence and biophysical properties (such as structural, functional, and spatial information, amino acid conservation, physicochemical variation, residue mobility, and thermodynamic stability) performed at Invitae indicates that this missense variant is not expected to disrupt MET protein function with a negative predictive value of 80%. In summary, the available evidence is currently insufficient to determine the role of this variant in disease. Therefore, it has been classified as a Variant of Uncertain Significance.